The following is an entry in ClinVar:

NM_004239.4(TRIP11):c.3370G>A (p.Asp1124Asn)

Gene: TRIP11 (thyroid hormone receptor interactor 11; minus strand). Cytogenetic location: 14q32.12.
Variant type: single nucleotide variant.
Coding change: c.3370G>A on transcript NM_004239.4 (MANE Select); coding-DNA position 3370, G replaced by A.
Protein change: p.Asp1124Asn; replaces aspartic acid 1124 with asparagine.
Molecular consequence: missense variant.
Genome position (GRCh38, 1-based): chr14:92,004,606, C>T on the plus strand (G>A on the coding strand, the complement: TRIP11 is on the minus strand). VCF-style: chr14-92004606-C-T. GRCh37 (hg19) VCF-style: chr14-92470950-C-T.
Other names: c.3367G>A, p.Asp1123Asn (NM_001321851.1); short protein forms D1124N, D1123N.
Identifiers: ClinVar variation 654927 (VCV000654927.7), dbSNP rs1466692158, ClinGen allele CA390652868.

ClinVar aggregate classification (germline): Uncertain significance (1 of 4 stars; one submission).

Conditions:
Achondrogenesis, type IA (ACG1A). Identifiers: Orphanet 932, Orphanet 93299, MedGen C0265273, MONDO:0008701, OMIM 200600.

Allele frequency attached by ClinVar (database versions not stated): TOPMed 0.00001; gnomAD 0.00001.
gnomAD v4.1: 1 of 1,613,980 alleles (0.000062%); highest among the groups gnomAD compares: African/African-American, 0.0013%; no homozygotes.

Submission:

Labcorp Genetics (formerly Invitae), Labcorp
Classification: Uncertain significance for Achondrogenesis, type IA. Last evaluated: 2018-10-04. Review status: criteria provided, single submitter. Criteria: Invitae Variant Classification Sherloc (09022015). Collection method: clinical testing. Allele origin: germline.
Comment: This sequence change replaces aspartic acid with asparagine at codon 1124 of the TRIP11 protein (p.Asp1124Asn). The aspartic acid residue is highly conserved and there is a small physicochemical difference between aspartic acid and asparagine. In summary, the available evidence is currently insufficient to determine the role of this variant in disease. Therefore, it has been classified as a Variant of Uncertain Significance. Algorithms developed to predict the effect of missense changes on protein structure and function are either unavailable or do not agree on the potential impact of this missense change (SIFT: "Deleterious"; PolyPhen-2: "Probably Damaging"; Align-GVGD: "Class C0"). This variant has not been reported in the literature in individuals with TRIP11-related disease. This variant is not present in population databases (ExAC no frequency).